The following is an entry in ClinVar:

NM_001164665.2(KIAA1549):c.3707C>T (p.Pro1236Leu)

Gene: KIAA1549 (KIAA1549; minus strand). Cytogenetic location: 7q34.
Variant type: single nucleotide variant.
Coding change: c.3707C>T on transcript NM_001164665.2 (MANE Select); coding-DNA position 3707, C replaced by T.
Protein change: p.Pro1236Leu; replaces proline 1236 with leucine.
Molecular consequence: missense variant.
Genome position (GRCh38, 1-based): chr7:138,899,095, G>A on the plus strand (C>T on the coding strand, the complement: KIAA1549 is on the minus strand). VCF-style: chr7-138899095-G-A. GRCh37 (hg19) VCF-style: chr7-138583841-G-A.
Other names: c.3707C>T, p.Pro1236Leu (NM_020910.3); short protein forms P1236L.
Identifiers: ClinVar variation 1011093 (VCV001011093.8), dbSNP rs367571312, ClinGen allele CA4506125.

ClinVar aggregate classification (germline): Uncertain significance. Review status: criteria provided, multiple submitters, no conflicts (2 of 4 stars). 2 submissions from 2 submitters: Uncertain significance (2). Last evaluated 2022-11-14.

Allele frequency attached by ClinVar (database versions not stated): gnomAD 0.00001; ExAC 0.00002; gnomAD exomes 0.00002; TOPMed 0.00002; ESP Exome Variant Server 0.00008; 1000 Genomes Project 30x 0.00016; 1000 Genomes Project 0.00020.
gnomAD v4.1: 36 of 1,613,756 alleles (0.0022%); highest among the groups gnomAD compares: Non-Finnish European, 0.0028%; no homozygotes.

Submissions (2):

Blueprint Genetics
Classification: Uncertain significance. Last evaluated: 2022-11-14. Review status: criteria provided, single submitter. Criteria: ACMG Guidelines, 2015. Collection method: clinical testing. Allele origin: germline.

Labcorp Genetics (formerly Invitae), Labcorp
Classification: Uncertain significance. Last evaluated: 2022-09-06. Review status: criteria provided, single submitter. Criteria: Invitae Variant Classification Sherloc (09022015). Collection method: clinical testing. Allele origin: germline.
Comment: In summary, the available evidence is currently insufficient to determine the role of this variant in disease. Therefore, it has been classified as a Variant of Uncertain Significance. Algorithms developed to predict the effect of missense changes on protein structure and function (SIFT, PolyPhen-2, Align-GVGD) all suggest that this variant is likely to be disruptive. ClinVar contains an entry for this variant (Variation ID: 1011093). This variant has not been reported in the literature in individuals affected with KIAA1549-related conditions. This variant is present in population databases (rs367571312, gnomAD 0.004%). This sequence change replaces proline, which is neutral and non-polar, with leucine, which is neutral and non-polar, at codon 1236 of the KIAA1549 protein (p.Pro1236Leu).